The following is an entry in ClinVar:

NM_006885.4(ZFHX3):c.629G>C (p.Gly210Ala)

Gene: ZFHX3 (zinc finger homeobox 3; minus strand). Cytogenetic location: 16q22.3.
Variant type: single nucleotide variant.
Coding change: c.629G>C on transcript NM_006885.4 (MANE Select); coding-DNA position 629, G replaced by C.
Protein change: p.Gly210Ala; replaces glycine 210 with alanine.
Molecular consequence: missense variant. On other transcripts: intron variant (1).
Genome position (GRCh38, 1-based): chr16:72,959,517, C>G on the plus strand (G>C on the coding strand, the complement: ZFHX3 is on the minus strand). VCF-style: chr16-72959517-C-G. GRCh37 (hg19) VCF-style: chr16-72993416-C-G.
Other names: c.629G>C, p.Gly210Ala (NM_001386735.1); c.-23-8552G>C (NM_001164766.2); short protein forms G210A.
Identifiers: ClinVar variation 3600780 (VCV003600780.1).

ClinVar aggregate classification (germline): Uncertain significance (1 of 4 stars; one submission).

Submission:

GeneDx
Classification: Uncertain significance. Last evaluated: 2024-07-22. Review status: criteria provided, single submitter. Criteria: GeneDx Variant Classification Process June 2021. Collection method: clinical testing. Allele origin: germline. Affected: yes.
Comment: Not observed at significant frequency in large population cohorts (gnomAD); In silico analysis indicates that this missense variant does not alter protein structure/function; Has not been previously published as pathogenic or benign to our knowledge